The following is an entry in ClinVar:

NM_017739.4(POMGNT1):c.120+3A>G

Gene: POMGNT1 (protein O-linked mannose N-acetylglucosaminyltransferase 1 (beta 1,2-); minus strand). Cytogenetic location: 1p34.1.
Variant type: single nucleotide variant.
Coding change: c.120+3A>G on transcript NM_017739.4 (MANE Select); 3 bases into the intron after coding-DNA position 120, A replaced by G.
Molecular consequence: intron variant.
Genome position (GRCh38, 1-based): chr1:46,197,699, T>C on the plus strand (A>G on the coding strand, the complement: POMGNT1 is on the minus strand). VCF-style: chr1-46197699-T-C. GRCh37 (hg19) VCF-style: chr1-46663371-T-C.
Other names: c.120+3A>G (NM_001243766.2).
Identifiers: ClinVar variation 285722 (VCV000285722.16), dbSNP rs543271070, ClinGen allele CA833879.

ClinVar aggregate classification (germline): Uncertain significance. Review status: criteria provided, multiple submitters, no conflicts (2 of 4 stars). 6 submissions from 6 submitters: Uncertain significance (5). 1 of the submissions does not count toward it. Last evaluated 2025-05-31.

Conditions:
Muscular dystrophy-dystroglycanopathy (congenital with impaired intellectual development), type B, 3. Also called: Muscular dystrophy-dystroglycanopathy (congenital with intellectual disability), type B3; MUSCULAR DYSTROPHY, CONGENITAL, POMGNT1-RELATED. Identifiers: MedGen C3150412, MONDO:0013155, OMIM 613151.
Autosomal recessive limb-girdle muscular dystrophy type 2O. Also called: MUSCULAR DYSTROPHY-DYSTROGLYCANOPATHY, LIMB-GIRDLE, POMGNT1-RELATED; Limb-Girdle Muscular Dystrophy Type 3C; MUSCULAR DYSTROPHY-DYSTROGLYCANOPATHY (LIMB-GIRDLE), TYPE C, 3. Identifiers: Orphanet 206564, MedGen C3150417, MONDO:0013161, OMIM 613157.
Muscle eye brain disease (MEB). Also called: Santavuori congenital muscular dystrophy. Identifiers: Orphanet 588, Orphanet 899, MedGen C0457133, MONDO:0018939.

Allele frequency attached by ClinVar (database versions not stated): 1000 Genomes Project 30x 0.00016; gnomAD 0.00019 and 0.00017; ExAC 0.00003; gnomAD exomes 0.00004 and 0.00002; TOPMed 0.00015; 1000 Genomes Project 0.00020.

Submissions (6):

GeneDx
Classification: Uncertain significance. Last evaluated: 2025-05-31. Review status: criteria provided, single submitter. Criteria: GeneDx Variant Classification Process June 2021. Collection method: clinical testing. Allele origin: germline. Affected: yes.
Comment: Has not been previously published as pathogenic or benign to our knowledge; In silico analysis suggests this variant may impact gene splicing. In the absence of RNA/functional studies, the actual effect of this sequence change is unknown.; This variant is associated with the following publications: (PMID: 30564623)

Women's Health and Genetics/Laboratory Corporation of America, LabCorp
Classification: Uncertain significance. Last evaluated: 2024-06-06. Review status: criteria provided, single submitter. Criteria: LabCorp Variant Classification Summary - May 2015. Collection method: clinical testing. Allele origin: germline.

Labcorp Genetics (formerly Invitae), Labcorp
Classification: Uncertain significance for Autosomal recessive limb-girdle muscular dystrophy type 2O; Muscular dystrophy-dystroglycanopathy (congenital with impaired intellectual development), type B, 3. Last evaluated: 2024-01-19. Review status: criteria provided, single submitter. Criteria: Invitae Variant Classification Sherloc (09022015). Collection method: clinical testing. Allele origin: germline.
Comment: This sequence change falls in intron 2 of the POMGNT1 gene. It does not directly change the encoded amino acid sequence of the POMGNT1 protein. It affects a nucleotide within the consensus splice site. This variant is present in population databases (rs543271070, gnomAD 0.06%). This variant has not been reported in the literature in individuals affected with POMGNT1-related conditions. ClinVar contains an entry for this variant (Variation ID: 285722). Variants that disrupt the consensus splice site are a relatively common cause of aberrant splicing (PMID: 17576681, 9536098). Algorithms developed to predict the effect of sequence changes on RNA splicing suggest that this variant may disrupt the consensus splice site. In summary, the available evidence is currently insufficient to determine the role of this variant in disease. Therefore, it has been classified as a Variant of Uncertain Significance.

Blueprint Genetics
Classification: Uncertain significance. Last evaluated: 2022-09-30. Review status: criteria provided, single submitter. Criteria: ACMG Guidelines, 2015. Collection method: clinical testing. Allele origin: germline.

Eurofins Ntd Llc (ga)
Classification: Uncertain significance. Last evaluated: 2016-01-19. Review status: criteria provided, single submitter. Criteria: EGL Classification Definitions 2015. Collection method: clinical testing. Allele origin: germline. Observed: 1 variant allele, 1 heterozygote.

Natera, Inc.
Classification: Uncertain significance for Muscle-eye-brain disease. Last evaluated: 2019-10-28. Review status: no assertion criteria provided. Collection method: clinical testing. Allele origin: germline. Not counted in ClinVar's aggregate classification.

Literature cited by the submitters: PubMed 17576681 (cited by Labcorp Genetics (formerly Invitae), Labcorp); PubMed 9536098 (cited by Labcorp Genetics (formerly Invitae), Labcorp).